The following is an entry in ClinVar:

ClinVar aggregate classification (germline): Likely pathogenic (1 of 4 stars; one submission).

Conditions:
Cardiovascular phenotype. Identifiers: MedGen CN230736.

Submission:

Ambry Genetics
Classification: Likely pathogenic for Cardiovascular phenotype. Last evaluated: 2025-12-04. Review status: criteria provided, single submitter. Criteria: Ambry Variant Classification Scheme 2023. Collection method: clinical testing. Allele origin: germline.
Comment: The c.71646delC variant, located in coding exon 180 of the TTN gene, results from a deletion of one nucleotide at nucleotide position 71646, causing a translational frameshift with a predicted alternate stop codon (p.H23882Qfs*34). This exon is located in the A-band region of the N2-B isoform of the titin protein and is constitutively expressed in TTN transcripts (percent spliced in or PSI 100%). This variant is considered to be rare based on population cohorts in the Genome Aggregation Database (gnomAD). This variant is expected to result in loss of function by premature protein truncation or nonsense-mediated mRNA decay. While truncating variants in TTN are present in 1-3% of the general population, truncating variants in the A-band are the most common cause of dilated cardiomyopathy (Herman DS et al. N. Engl. J. Med., 2012 Feb;366:619-28; Roberts AM et al. Sci Transl Med, 2015 Jan;7:270ra6). TTN truncating variants encoded in constitutive exons (PSI >90%) have been found to be significantly associated with DCM regardless of their position in titin (Schafer S et al. Nat. Genet., 2017 01;49:46-53; Akhtar MM et al. Circ Heart Fail, 2020 Oct;13:e006832; Massier M et al. Clin Genet, 2025 Jan). Based on the majority of available evidence to date, this variant is likely to be pathogenic.

NM_001267550.2(TTN):c.98841del (p.His32947fs)

Genes: TTN (titin; minus strand), TTN-AS1 (TTN antisense RNA 1; plus strand). Cytogenetic location: 2q31.2.
Variant type: Deletion.
Coding change: c.98841del on transcript NM_001267550.2 (MANE Select); coding-DNA position 98841, one base deleted (C; older notation c.98841delC).
Protein change: p.His32947fs; shifts the reading frame from histidine 32947.
Molecular consequence: frameshift variant. On other transcripts: non-coding transcript variant (1).
Genome position (GRCh38, 1-based): chr2:178,539,094, G deleted on the plus strand (C on the coding strand, the reverse complement: TTN is on the minus strand). VCF-style (leftmost placement, unchanged base first): chr2-178539093-TG-T. GRCh37 (hg19) VCF-style: chr2-179403820-TG-T.
Other names: c.71646delC (NM_003319.4); c.93918del, p.His31306fs (NM_001256850.1); c.71646del, p.His23882fs (NM_003319.4); c.91137del, p.His30379fs (NM_133378.4); c.72021del, p.His24007fs (NM_133432.3); c.72222del, p.His24074fs (NM_133437.4); short protein forms H32947fs, H23882fs, H24007fs, H30379fs, H24074fs, H31306fs.
Identifiers: ClinVar variation 4615378 (VCV004615378.1).